The following is an entry in ClinVar:

ClinVar aggregate classification (germline): Uncertain significance. Review status: reviewed by expert panel (3 of 4 stars). 16 submissions from 16 submitters: Uncertain significance (1). 15 of the submissions do not count toward it. Last evaluated 2025-11-13.

Conditions:
Long QT syndrome (LQTS). Identifiers: MedGen C0023976, MeSH D008133, MONDO:0002442. Disease mechanism: loss of function. Inheritance: Various modes of inheritance.
Hypertrophic cardiomyopathy. Also called: HYPERTROPHIC MYOCARDIOPATHY. Identifiers: Orphanet 217569, MedGen C0007194, MeSH D002312, MONDO:0005045, HP:0001639.
MYBPC3-related disorder. Also called: MYBPC3-related disorders; MYBPC3-related condition; MYBPC3-related disease.
Autosomal dominant MYBPC3-related disorders.
Hypertrophic cardiomyopathy 4. Also called: Familial hypertrophic cardiomyopathy 4. Identifiers: MedGen C1861862, MONDO:0007268, OMIM 115197.
Left ventricular noncompaction 10 (LVNC10). Identifiers: Orphanet 154, Orphanet 54260, MedGen C3715165, MONDO:0014163, OMIM 615396.
Cardiovascular phenotype. Identifiers: MedGen CN230736.
Cardiomyopathy (CMYO). Also called: Cardiomyopathies. Identifiers: Orphanet 167848, MedGen C0878544, MONDO:0004994, HP:0001638. Inheritance: Various modes of inheritance.

Allele frequency attached by ClinVar (database versions not stated): gnomAD 0.00001; gnomAD exomes 0.00001; TOPMed 0.00001; ExAC 0.00003.
gnomAD v4.1: 12 of 1,607,694 alleles (0.00075%); highest among the groups gnomAD compares: Middle Eastern, 0.017%; no homozygotes.

Submissions 1 to 6 of 16:

ClinGen Cardiomyopathy Variant Curation Expert Panel
Classification: Uncertain significance for Hypertrophic cardiomyopathy. Last evaluated: 2025-11-13. Review status: reviewed by expert panel. Criteria: ClinGen CMP ACMG Specifications MYBPC3 V1.0.0. Collection method: curation. Allele origin: germline. Inheritance: Autosomal dominant inheritance.
Comment: NM_000256.3(MYBPC3):c.3811C>T (p.Arg1271Ter) - This variant has been reported in individuals with HCM (LMM data, OMGL data, PMIDs: 19574547, 2339698, 25351510, 27532257, 28254189) and is statistically increased in individuals with HCM compared to controls [OR lower 95% CI >10]. Therefore, PS4_Moderate criteria has been applied. This variant is present in gnomAD (v2.1.1), but did meet the threshold for PM2_Supporting. This nonsense variant leads to a premature termination codon at position 1271, which is not expected to undergo nonsense mediated decay based on its location and predicted to lead to a truncated protein shortened by 3 amino acids; there is currently no evidence that the last four amino acids in this protein are critical to protein function (PVS1_Moderate). While this variant has been studied in a myectomy sample from an affected individual, this evidence is insufficient to apply PS3 (PMID: 19574547). In summary, this variant is classified as Uncertain Significance for HCM in an autosomal dominant manner based on PS4_Moderate, PM2_Supporting, and PVS1_Moderate.

Labcorp Genetics (formerly Invitae), Labcorp
Classification: Pathogenic for Hypertrophic cardiomyopathy. Last evaluated: 2025-12-29. Review status: criteria provided, single submitter. Criteria: Invitae Variant Classification Sherloc (09022015). Collection method: clinical testing. Allele origin: germline. Not counted in ClinVar's aggregate classification.
Comment: This sequence change creates a premature translational stop signal (p.Arg1271*) in the MYBPC3 gene. While this is not anticipated to result in nonsense mediated decay, it is expected to disrupt the last 4 amino acid(s) of the MYBPC3 protein. This variant is present in population databases (rs397516042, gnomAD 0.003%). This premature translational stop signal has been observed in individuals with hypertrophic cardiomyopathy (PMID: 18533079, 23396983, 33673806; internal data). ClinVar contains an entry for this variant (Variation ID: 42744). Algorithms developed to predict the effect of variants on gene product structure and function are not available or were not evaluated for this variant. Experimental studies are conflicting or provide insufficient evidence to determine the effect of this variant on MYBPC3 function (PMID: 19574547). For these reasons, this variant has been classified as Pathogenic.

Variantyx, Inc.
Classification: Pathogenic for Autosomal dominant MYBPC3-related disorders. Last evaluated: 2025-11-17. Review status: criteria provided, single submitter. Criteria: Variantyx Assertion Criteria 2022. Collection method: clinical testing. Allele origin: germline. Inheritance: Autosomal dominant inheritance. Not counted in ClinVar's aggregate classification.
Comment: This is a nonsense variant in the MYBPC3 gene (OMIM: 600958). Pathogenic variants in this gene have been associated with autosomal dominant hypertrophic cardiomyopathy. This variant introduces a premature termination codon in exon 33 out of 35 and is expected to result in loss of function, which is a known disease mechanism for MYBPC3 in this disorder (PMID: 32396390, 32163302, 30025578) (PVS1). This variant has been reported in several unrelated affected individuals (PMID: 39486665, 39160446, 38002985, 35626289, 34714385, 34076677, 33996946, 33673806, 23396983, 19996403, 19574547, 18533079) (PS4_Moderate). It has a 0.0033% maximum allele frequency in non-founder control populations (PM2). Based on the current evidence, this variant is classified as pathogenic for autosomal dominant hypertrophic cardiomyopathy.

PreventionGenetics, part of Exact Sciences
Classification: Pathogenic for MYBPC3-related condition. Last evaluated: 2025-10-22. Review status: criteria provided, single submitter. Criteria: ACMG Guidelines, 2015. Collection method: clinical testing. Allele origin: germline. Not counted in ClinVar's aggregate classification.
Comment: The MYBPC3 c.3811C>T variant is predicted to result in premature protein termination (p.Arg1271*). This variant has been reported in individuals with hypertrophic cardiomyopathy (see for example: Olivotto et al. 2008. PubMed ID: 18533079; Table S1, Chumakova et al. 2023. PubMed ID: 38002985). This variant is reported in 0.0029% of alleles in individuals of Latino descent in gnomAD. Nonsense variants in MYBPC3 are expected to be pathogenic. This variant is interpreted as pathogenic.

GeneDx
Classification: Pathogenic. Last evaluated: 2025-02-25. Review status: criteria provided, single submitter. Criteria: GeneDx Variant Classification Process June 2021. Collection method: clinical testing. Allele origin: germline. Affected: yes. Not counted in ClinVar's aggregate classification.
Comment: Identified in individuals with HCM referred for genetic testing at GeneDx and in published literature (PMID: 18533079, 23396983, 28254189, 30297972, 31110529, 35626289, 36264615, 38002985); Not observed at significant frequency in large population cohorts (gnomAD); Nonsense variant predicted to result in protein truncation, as the last 4 amino acids are lost, and other loss-of-function variants have been reported downstream in HGMD; Functional studies demonstrate a damaging effect with reduced MYBPC3 protein in a myomectomy sample from an individual with this variant (PMID: 19574547); This variant is associated with the following publications: (PMID: 23396983, 25524337, 25525159, 18533079, 30297972, 27532257, 28254189, 31110529, 31589614, 33673806, 33087929, 33996946, 25351510, 34076677, 35626289, 34714385, 39160446, 37652022, 36264615, 38002985, 36129056, 19574547, 19996403)

All of Us Research Program, National Institutes of Health
Classification: Pathogenic for Hypertrophic cardiomyopathy. Last evaluated: 2024-08-08. Review status: criteria provided, single submitter. Criteria: ACMG Guidelines, 2015. Collection method: clinical testing. Allele origin: germline. Inheritance: Autosomal dominant inheritance. Observed: 6 variant alleles, 6 heterozygotes. Not counted in ClinVar's aggregate classification.
Comment: This variant changes 1 nucleotide in exon 33 of the major myosin binding region of the MYBPC3 gene, creating a premature translation stop signal in the C-terminus region. This variant is predicted to escape nonsense-mediated decay and be expressed as a truncated protein. A functional study using myomectomy samples from a carrier individual have shown reduced protein expression levels (PMID: 19574547). This variant has been reported in over 10 individuals affected with hypertrophic cardiomyopathy (PMID: 18533079, 19574547, 23396983, 25524337, 27532257, 30297972, 31110529, 33495596; communication with external laboratories: ClinVar SCV000208206.13, SCV000059270.6). It has also been reported in one individual suspected to be affected with hypertrophic cardiomyopathy (PMID: 33673806), in one individual affected with cardiomyopathy (PMID: 28254189), and in homozygous state in one child affected with hypertrophic cardiomyopathy (DOI:10.32592/psj.21.3.194). A splicing variant occurring downstream of this variant is known to be disease-causing (ClinVar variation ID: 42746). This variant has been identified in 2/246124 chromosomes in the general population by the Genome Aggregation Database (gnomAD). Loss of MYBPC3 function is a known mechanism of disease. Based on the available evidence, this variant is classified as Pathogenic.

This study involves interpretation of variants in research participants for the purpose of population health screening. Participant phenotype was not available at the time of variant classification. Additional details can be found in publication PMID: 35346344, PMCID: PMC8962531

NM_000256.3(MYBPC3):c.3811C>T (p.Arg1271Ter)

Gene: MYBPC3 (myosin binding protein C3; minus strand). Cytogenetic location: 11p11.2.
Variant type: single nucleotide variant.
Coding change: c.3811C>T on transcript NM_000256.3 (MANE Select); coding-DNA position 3811, C replaced by T.
Protein change: p.Arg1271Ter; replaces arginine 1271 with a stop codon.
Molecular consequence: nonsense.
Genome position (GRCh38, 1-based): chr11:47,332,075, G>A on the plus strand (C>T on the coding strand, the complement: MYBPC3 is on the minus strand). VCF-style: chr11-47332075-G-A. GRCh37 (hg19) VCF-style: chr11-47353626-G-A.
Other names: p.R1271*:CGA>TGA; short protein forms R1271*.
Identifiers: ClinVar variation 42744 (VCV000042744.39), dbSNP rs397516042, ClinGen allele CA014956.